The following is an entry in ClinVar:

NM_003611.3(OFD1):c.59G>A (p.Arg20His)

Genes: OFD1 (OFD1 centriole and centriolar satellite protein; plus strand), LOC126863212 (CDK7 strongly-dependent group 2 enhancer GRCh37_chrX:13752241-13753440; plus strand). Cytogenetic location: Xp22.2.
Variant type: single nucleotide variant.
Coding change: c.59G>A on transcript NM_003611.3 (MANE Select); coding-DNA position 59, G replaced by A.
Protein change: p.Arg20His; replaces arginine 20 with histidine.
Molecular consequence: missense variant. On other transcripts: 5 prime UTR variant (1).
Genome position (GRCh38, 1-based): chrX:13,735,294, G>A. VCF-style: chrX-13735294-G-A. GRCh37 (hg19) VCF-style: chrX-13753413-G-A.
Other names: c.59G>A, p.Arg20His (NM_001330209.2); c.-487G>A (NM_001330210.2); c.59G>A (NM_003611.2); short protein forms R20H.
Identifiers: ClinVar variation 1504241 (VCV001504241.10), dbSNP rs2146904622, ClinGen allele CA412331580.

ClinVar aggregate classification (germline): Uncertain significance. Review status: criteria provided, multiple submitters, no conflicts (2 of 4 stars). 3 submissions from 3 submitters: Uncertain significance (3). Last evaluated 2023-06-19.

Conditions:
Joubert syndrome. Also called: JOUBERT-BOLTSHAUSER SYNDROME; Familial aplasia of the vermis. Identifiers: Orphanet 475, MedGen C5979921, MONDO:0018772.
Orofaciodigital syndrome I (OFD1). Also called: OFDS I; Papillon-Leage and Psaume Syndrome; Oral-Facial-Digital Syndrome Type I. Identifiers: Orphanet 2750, MedGen C1510460, MONDO:0010702, OMIM 311200.
OFD1-related disorder. Also called: OFD1-related condition.

Allele frequency attached by ClinVar (database versions not stated): gnomAD exomes 0.00001.
gnomAD v4.1: 13 of 1,211,428 alleles (0.0011%); highest among the groups gnomAD compares: Non-Finnish European, 0.0015%; no homozygotes.

Submissions (3):

PreventionGenetics, part of Exact Sciences
Classification: Uncertain significance for OFD1-related condition. Last evaluated: 2023-06-19. Review status: criteria provided, single submitter. Criteria: ACMG Guidelines, 2015. Collection method: clinical testing. Allele origin: germline.
Comment: The OFD1 c.59G>A variant is predicted to result in the amino acid substitution p.Arg20His. To our knowledge, this variant has not been reported in the literature or in a large population database, indicating this variant is rare. At this time, the clinical significance of this variant is uncertain due to the absence of conclusive functional and genetic evidence.

Labcorp Genetics (formerly Invitae), Labcorp
Classification: Uncertain significance for Orofaciodigital syndrome I; Joubert syndrome. Last evaluated: 2021-05-03. Review status: criteria provided, single submitter. Criteria: Invitae Variant Classification Sherloc (09022015). Collection method: clinical testing. Allele origin: germline.
Comment: In summary, the available evidence is currently insufficient to determine the role of this variant in disease. Therefore, it has been classified as a Variant of Uncertain Significance. Algorithms developed to predict the effect of missense changes on protein structure and function (SIFT, PolyPhen-2, Align-GVGD) all suggest that this variant is likely to be disruptive, but these predictions have not been confirmed by published functional studies and their clinical significance is uncertain. This variant has not been reported in the literature in individuals with OFD1-related conditions. This variant is not present in population databases (ExAC no frequency). This sequence change replaces arginine with histidine at codon 20 of the OFD1 protein (p.Arg20His). The arginine residue is highly conserved and there is a small physicochemical difference between arginine and histidine.

Blueprint Genetics
Classification: Uncertain significance. Last evaluated: 2018-11-29. Review status: criteria provided, single submitter. Criteria: ACMG Guidelines, 2015. Collection method: clinical testing. Allele origin: germline.